The following is an entry in ClinVar:

ClinVar aggregate classification (germline): Pathogenic. Review status: criteria provided, multiple submitters, no conflicts (2 of 4 stars). 3 submissions from 3 submitters: Pathogenic (2). 1 of the submissions does not count toward it. Last evaluated 2021-01-01.

Conditions:
Stargardt disease (FFM). Also called: Stargardt's disease; Fundus flavimaculatus. Identifiers: Orphanet 827, MedGen C0271093, MONDO:0019353.
Retinal dystrophy. Also called: Inherited retinal dystrophy. Identifiers: Orphanet 71862, MedGen C0854723, MeSH D058499, MONDO:0019118, HP:0000556.
Age related macular degeneration 2. Also called: MACULOPATHY, AGE-RELATED; MACULAR DEGENERATION, SENILE; MACULOPATHY, AGE-RELATED, 2. Identifiers: MedGen C3495438, MONDO:0007932, OMIM 153800.

Allele frequency attached by ClinVar (database versions not stated): gnomAD exomes below 0.00001.

Submissions (3):

Institute of Human Genetics, Univ. Regensburg, Univ. Regensburg
Classification: Pathogenic for Retinal dystrophy. Last evaluated: 2021-01-01. Review status: criteria provided, single submitter. Criteria: ACMG Guidelines, 2015. Collection method: clinical testing. Allele origin: germline. Affected: yes.

Centre for Mendelian Genomics, University Medical Centre Ljubljana
Classification: Pathogenic for Age related macular degeneration 2. Last evaluated: 2016-01-01. Review status: criteria provided, single submitter. Criteria: ACMG Guidelines, 2015. Collection method: clinical testing. Allele origin: unknown. Affected: yes.
Comment: This variant was classified as: Pathogenic. The following ACMG criteria were applied in classifying this variant: PVS1,PM2,PP3,PP4.

Department of Clinical Genetics, Copenhagen University Hospital, Rigshospitalet
Classification: Likely pathogenic for Stargardt disease. Last evaluated: 2018-04-01. Review status: no assertion criteria provided. Collection method: research. Allele origin: unknown. Affected: yes. Study: VeluxRD. Not counted in ClinVar's aggregate classification.

Literature cited by the submitters: PubMed 30718709 (cited by Institute of Human Genetics, Univ. Regensburg, Univ. Regensburg and Department of Clinical Genetics, Copenhagen University Hospital, Rigshospitalet).

NM_000350.3(ABCA4):c.4222del (p.Trp1408fs)

Gene: ABCA4 (ATP binding cassette subfamily A member 4; minus strand). Cytogenetic location: 1p22.1.
Variant type: Deletion.
Coding change: c.4222del on transcript NM_000350.3 (MANE Select); coding-DNA position 4222, one base deleted (T; older notation c.4222delT).
Protein change: p.Trp1408fs; shifts the reading frame from tryptophan 1408.
Molecular consequence: frameshift variant.
Genome position (GRCh38, 1-based): chr1:94,031,027, A deleted on the plus strand (T on the coding strand, the reverse complement: ABCA4 is on the minus strand). VCF-style (leftmost placement, unchanged base first): chr1-94031026-CA-C. GRCh37 (hg19) VCF-style: chr1-94496582-CA-C.
Other names: c.4000delT, p.Trp1334Glyfs (NM_001425324.1); short protein forms W1408fs.
Identifiers: ClinVar variation 636147 (VCV000636147.6), dbSNP rs1571264574, ClinGen allele CA915941340.
Genomic context (GRCh38, chr1:94,031,026, plus strand): 5'-GAGGAGAATGGTGACCCCGAGTCCGCGCACCTGAAGAAGGTGTACTGCTGCCCATATATC[CA>C]GGGGTGAAGGGTCAAAGCGGGGTATTCGCCAAAAGGAGGGATAACAATAGAAAGCATCAG-3'